The following is an entry in ClinVar:

ClinVar aggregate classification (germline): Uncertain significance (1 of 4 stars; one submission).

Conditions:
Hereditary diffuse gastric adenocarcinoma (HDGC). Also called: DIFFUSE GASTRIC AND LOBULAR BREAST CANCER SYNDROME. Identifiers: Orphanet 26106, MedGen C1708349, MONDO:0007648, OMIM 137215.

Submission:

KCCC/NGS Laboratory, Kuwait Cancer Control Center
Classification: Uncertain significance for Hereditary diffuse gastric adenocarcinoma. Last evaluated: 2024-04-03. Review status: criteria provided, single submitter. Criteria: ACMG Guidelines, 2015. Collection method: clinical testing. Allele origin: germline. Inheritance: Autosomal dominant inheritance. Affected: yes. Observed: 1 heterozygote.
Comment: a variant of uncertain significance was detected in the CDH1 gene (c.1712-2A>G).The c.1712-2A>G intronic variant results from an A to G substitution two nucleotides upstream from coding exon 12 in the CDH1 gene. This nucleotide position is highly conserved . This variant is not present in population databases (gnomAD no frequency). . Disruption of this splice site has been observed in individual(s) with breast cancer (PMID: 30287823). Studies have shown that disruption of this splice site results in the activation of a cryptic splice site in exon 12 . In silico splice site analysis predicts that this alteration will weaken the native splice acceptor site and will result in the creation or strengthening of a novel splice acceptor site. This variant not present in ClinVar , However other variant as same position reported (ClinVar:819883- c.1712-2A>T) and (ClinVar:234654-c.1712-2A>C). In summary, the available evidence is currently insufficient to determine the role of this variant in disease. Therefore, it has been classified as a Variant of Uncertain Significance

NM_004360.5(CDH1):c.1712-2A>G

Gene: CDH1 (cadherin 1; plus strand). Cytogenetic location: 16q22.1.
Variant type: single nucleotide variant.
Coding change: c.1712-2A>G on transcript NM_004360.5 (MANE Select); the canonical splice acceptor site of the intron before coding-DNA position 1712, A replaced by G.
Molecular consequence: splice acceptor variant.
Genome position (GRCh38, 1-based): chr16:68,821,999, A>G. VCF-style: chr16-68821999-A-G. GRCh37 (hg19) VCF-style: chr16-68855902-A-G.
Other names: c.164-2A>G (NM_001317185.2); c.-254-2A>G (NM_001317186.2); c.1529-2A>G (NM_001317184.2).
Identifiers: ClinVar variation 3066086 (VCV003066086.2), dbSNP rs552325719, ClinGen allele CA396466126.